The following is an entry in ClinVar:

NM_001042492.3(NF1):c.25T>C (p.Trp9Arg)

Genes: MIR4733HG (MIR4733 host gene; minus strand), NF1 (neurofibromin 1; plus strand), LOC111811965 (NF1 (neurofibromin 1) promoter region; plus strand). Cytogenetic location: 17q11.2.
Variant type: single nucleotide variant.
Coding change: c.25T>C on transcript NM_001042492.3 (MANE Select); coding-DNA position 25, T replaced by C.
Protein change: p.Trp9Arg; replaces tryptophan 9 with arginine.
Molecular consequence: missense variant. On other transcripts: non-coding transcript variant (1).
Genome position (GRCh38, 1-based): chr17:31,095,334, T>C. VCF-style: chr17-31095334-T-C. GRCh37 (hg19) VCF-style: chr17-29422352-T-C.
Other names: c.25T>C, p.Trp9Arg (NM_000267.4, NM_001128147.3); short protein forms W9R.
Identifiers: ClinVar variation 2720436 (VCV002720436.3), dbSNP rs1911552931, ClinGen allele CA398979258.
Genomic context (GRCh38, chr17:31,095,334, plus strand): 5'-CCCTTCCCTCCGCCGCCCCCCGGCCGCGGGGAGGACATGGCCGCGCACAGGCCGGTGGAA[T>C]GGGTCCAGGCCGTGGTCAGCCGCTTCGACGAGCAGGTAACCGGCCCGTGGCGGGCGGGAG-3'
Protein context (NP_001035957.1, residues 1-19): MAAHRPVE[Trp9Arg]VQAVVSRFDE

ClinVar aggregate classification (germline): Uncertain significance (1 of 4 stars; one submission).

Conditions:
Neurofibromatosis, type 1 (NF1). Also called: Neurofibromatosis, type I; NEUROFIBROMATOSIS, TYPE I, SOMATIC; Peripheral type neurofibromatosis; VON RECKLINGHAUSEN DISEASE. Identifiers: Orphanet 636, MedGen C0027831, MONDO:0018975, OMIM 162200. Disease mechanism: loss of function.

Submission:

Labcorp Genetics (formerly Invitae), Labcorp
Classification: Uncertain significance for Neurofibromatosis, type 1. Last evaluated: 2023-06-21. Review status: criteria provided, single submitter. Criteria: Invitae Variant Classification Sherloc (09022015). Collection method: clinical testing. Allele origin: germline.
Comment: In summary, the available evidence is currently insufficient to determine the role of this variant in disease. Therefore, it has been classified as a Variant of Uncertain Significance. Advanced modeling of protein sequence and biophysical properties (such as structural, functional, and spatial information, amino acid conservation, physicochemical variation, residue mobility, and thermodynamic stability) performed at Invitae indicates that this missense variant is expected to disrupt NF1 protein function. This variant has not been reported in the literature in individuals affected with NF1-related conditions. This variant is not present in population databases (gnomAD no frequency). This sequence change replaces tryptophan, which is neutral and slightly polar, with arginine, which is basic and polar, at codon 9 of the NF1 protein (p.Trp9Arg).